The following is an entry in ClinVar:

ClinVar aggregate classification (germline): Uncertain significance (1 of 4 stars; one submission).

Conditions:
Exostoses, multiple, type 2 (EXT2). Also called: Hereditary Multiple Osteochondromatosis, Type II; EXOSTOSES, MULTIPLE, TYPE II. Identifiers: Orphanet 321, MedGen C1851413, MONDO:0007586, OMIM 133701.

Submission:

Labcorp Genetics (formerly Invitae), Labcorp
Classification: Uncertain significance for Exostoses, multiple, type 2. Last evaluated: 2023-09-15. Review status: criteria provided, single submitter. Criteria: Invitae Variant Classification Sherloc (09022015). Collection method: clinical testing. Allele origin: germline.
Comment: In summary, the available evidence is currently insufficient to determine the role of this variant in disease. Therefore, it has been classified as a Variant of Uncertain Significance. Experimental studies and prediction algorithms are not available or were not evaluated, and the functional significance of this variant is currently unknown. This variant has not been reported in the literature in individuals affected with EXT2-related conditions. This variant is not present in population databases (gnomAD no frequency). This sequence change creates a premature translational stop signal (p.Ile660Phefs*34) in the EXT2 gene. While this is not anticipated to result in nonsense mediated decay, it is expected to disrupt the last 59 amino acid(s) of the EXT2 protein.

NM_207122.2(EXT2):c.1977_1987del (p.Ile660fs)

Gene: EXT2 (exostosin glycosyltransferase 2; plus strand). Cytogenetic location: 11p11.2.
Variant type: Deletion.
Coding change: c.1977_1987del on transcript NM_207122.2 (MANE Select); coding-DNA positions 1977 to 1987, 11 bases deleted (CATAGATGGGC).
Protein change: p.Ile660fs; shifts the reading frame from isoleucine 660.
Molecular consequence: frameshift variant.
Genome position (GRCh38, 1-based): chr11:44,236,334-44,236,344, CATAGATGGGC deleted; deleting any 11 consecutive bases within chr11:44,236,332-44,236,344 gives the same sequence; the c. name uses the placement nearest the transcript's 3' end. VCF-style (leftmost placement, unchanged base first): chr11-44236331-AGCCATAGATGG-A. GRCh37 (hg19) VCF-style: chr11-44257881-AGCCATAGATGG-A.
Other names: c.2076_2086del, p.Ile693fs (NM_000401.3); c.2007_2017del, p.Ile670fs (NM_001178083.3); c.1977_1987del, p.Ile660fs (NM_001389628.1, NM_001389630.1); short protein forms I693fs, I660fs, I670fs.
Identifiers: ClinVar variation 2759716 (VCV002759716.3), dbSNP rs2539788573, ClinGen allele CA2697548532.